The following is an entry in ClinVar:

ClinVar aggregate classification (germline): Benign/Likely benign. Review status: criteria provided, multiple submitters, no conflicts (2 of 4 stars). 11 submissions from 10 submitters: Benign (3); Likely benign (8). Last evaluated 2026-04-01.

Conditions:
RPS10-NUDT3-related disorder. Also called: RPS10-NUDT3-related condition.
Diamond-Blackfan anemia. Also called: Aase syndrome; Blackfan Diamond syndrome; Aregenerative anemia chronic congenital; Red cell aplasia, pure hereditary; Congenital hypoplastic anemia. Identifiers: Orphanet 124, MedGen C1260899, MeSH D029503, MONDO:0015253, HP:0004810.
RPS10-related disorder. Also called: RPS10-related condition.
Diamond-Blackfan anemia 9 (DBA9). Also called: RPS10-Related Diamond-Blackfan Anemia. Identifiers: Orphanet 124, MedGen C2750081, MONDO:0013216, OMIM 613308.

Allele frequency attached by ClinVar (database versions not stated): ESP Exome Variant Server 0.00100; TOPMed 0.00156; 1000 Genomes Project 30x 0.00203; gnomAD 0.00213; ExAC 0.00215; gnomAD exomes 0.00218; 1000 Genomes Project 0.00220.
gnomAD v4.1: 3,699 of 1,614,098 alleles (0.23%); highest among the groups gnomAD compares: South Asian, 0.68%; 8 homozygotes.

Submissions (11):

CeGaT Center for Human Genetics Tuebingen
Classification: Likely benign. Last evaluated: 2026-04-01. Review status: criteria provided, single submitter. Criteria: CeGaT Center For Human Genetics Tuebingen Variant Classification Criteria Version 2. Collection method: clinical testing. Allele origin: germline. Affected: yes. Observed: 2 variant alleles.
Comment: RPS10: BP4, BP7

Labcorp Genetics (formerly Invitae), Labcorp
Classification: Benign for Diamond-Blackfan anemia. Last evaluated: 2026-02-01. Review status: criteria provided, single submitter. Criteria: Invitae Variant Classification Sherloc (09022015). Collection method: clinical testing. Allele origin: germline.

Blueprint Genetics
Classification: Likely benign. Last evaluated: 2024-11-26. Review status: criteria provided, single submitter. Criteria: ACMG Guidelines, 2015. Collection method: clinical testing. Allele origin: germline.

Fulgent Genetics
Classification: Likely benign for Diamond-Blackfan anemia 9. Last evaluated: 2021-12-21. Review status: criteria provided, single submitter. Criteria: ACMG Guidelines, 2015. Collection method: clinical testing. Allele origin: unknown.

GeneDx
Classification: Likely benign. Last evaluated: 2021-01-05. Review status: criteria provided, single submitter. Criteria: GeneDx Variant Classification Process June 2021. Collection method: clinical testing. Allele origin: germline. Affected: yes.

Genetic Services Laboratory, University of Chicago
Classification: Benign. Last evaluated: 2020-12-24. Review status: criteria provided, single submitter. Criteria: ACMG Guidelines, 2015. Collection method: clinical testing. Allele origin: germline. Affected: no.

PreventionGenetics, part of Exact Sciences
Classification: Likely benign for RPS10-related condition. Last evaluated: 2020-12-04. Review status: criteria provided, single submitter. Criteria: ACMG Guidelines, 2015. Collection method: clinical testing. Allele origin: germline.
Comment: This variant is classified as likely benign based on ACMG/AMP sequence variant interpretation guidelines (Richards et al. 2015 PMID: 25741868, with internal and published modifications).

PreventionGenetics, part of Exact Sciences
Classification: Likely benign for RPS10-NUDT3-related condition. Last evaluated: 2020-12-04. Review status: criteria provided, single submitter. Criteria: ACMG Guidelines, 2015. Collection method: clinical testing. Allele origin: germline.
Comment: the same text as in the submission from PreventionGenetics, part of Exact Sciences above.

Ambry Genetics
Classification: Likely benign for Diamond-Blackfan anemia. Last evaluated: 2018-01-22. Review status: criteria provided, single submitter. Criteria: Ambry Variant Classification Scheme 2023. Collection method: clinical testing. Allele origin: germline.

Illumina Laboratory Services, Illumina
Classification: Benign for Diamond-Blackfan anemia 9. Last evaluated: 2018-01-12. Review status: criteria provided, single submitter. Criteria: ICSL Variant Classification Criteria 13 December 2019. Collection method: clinical testing. Allele origin: germline.
Comment: This variant was observed in the ICSL laboratory as part of a predisposition screen in an ostensibly healthy population. It had not been previously curated by ICSL or reported in the Human Gene Mutation Database (HGMD: prior to June 1st, 2018), and was therefore a candidate for classification through an automated scoring system. Utilizing variant allele frequency, disease prevalence and penetrance estimates, and inheritance mode, an automated score was calculated to assess if this variant is too frequent to cause the disease. Based on the score and internal cut-off values, a variant classified as benign is not then subjected to further curation. The score for this variant resulted in a classification of benign for this disease.

Breakthrough Genomics
Classification: Likely benign. Review status: criteria provided, single submitter. Criteria: ACMG Guidelines, 2015. Collection method: not provided. Allele origin: germline. Inheritance: Autosomal dominant inheritance. Affected: yes.

NM_001014.5(RPS10):c.408C>T (p.Ala136=)

Genes: RPS10 (ribosomal protein S10; minus strand), RPS10-NUDT3 (RPS10-NUDT3 readthrough; minus strand). Cytogenetic location: 6p21.31.
Variant type: single nucleotide variant.
Coding change: c.408C>T on transcript NM_001014.5 (MANE Select); coding-DNA position 408, C replaced by T.
Protein change: p.Ala136=; no amino-acid change (alanine 136 retained).
Molecular consequence: synonymous variant.
Genome position (GRCh38, 1-based): chr6:34,418,417, G>A on the plus strand (C>T on the coding strand, the complement: RPS10 is on the minus strand). VCF-style: chr6-34418417-G-A. GRCh37 (hg19) VCF-style: chr6-34386194-G-A.
Other names: c.408C>T (NM_001202470.2, NM_001203245.2); c.408C>T, p.Ala136= (NM_001202470.3, NM_001203245.3, NM_001204091.2).
Identifiers: ClinVar variation 356419 (VCV000356419.38), dbSNP rs147566753, ClinGen allele CA3765018.